The following is an entry in ClinVar:

ClinVar aggregate classification (germline): Pathogenic. Review status: reviewed by expert panel (3 of 4 stars). 10 submissions from 10 submitters: Pathogenic (1). 9 of the submissions do not count toward it. Last evaluated 2024-08-22.

Conditions:
Familial thoracic aortic aneurysm and aortic dissection (TAAD). Also called: Thoracic aortic aneurysms and dissections. Identifiers: Orphanet 91387, MedGen C4707243, MONDO:0019625.
Marfan syndrome (MFS). Also called: Marfan syndrome type 1; Marfan syndrome, classic; Marfan's syndrome; FBN1-Related Marfan Syndrome; MARFAN SYNDROME, TYPE I. Identifiers: Orphanet 284963, Orphanet 558, MedGen C0024796, MONDO:0007947, OMIM 154700.

Submissions (10):

ClinGen FBN1 Variant Curation Expert Panel, ClinGen
Classification: Pathogenic for Marfan syndrome. Last evaluated: 2024-08-22. Review status: reviewed by expert panel. Criteria: Assertion Criteria VCEP FBN1 Version 1. Collection method: curation. Allele origin: germline. Inheritance: Autosomal dominant inheritance.
Comment: NM_000138.5 c.5076_5078del is a deletion of 3 nucleotides in FBN1 predicted to cause the in-frame deletion of arginine at amino acid 1692 (p.Arg1692del) (PM4). This variant has been identified in a patient with thoracic aortic aneurysm and dissection (TAAD), ectopia lentis (EL), and a systemic score ≥ 7, which is a specific phenotype for Marfan syndrome (MFS) (PP4; University of Tokyo internal data). It has been identified in at least 5 other unrelated individuals meeting the revised Ghent criteria for a clinical diagnosis of MFS (PS4; PMIDs: 27146836, 32679894; University of Tokyo & Invitae internal data); in one of these individuals with TAAD, EL, and a systemic score of 10, a phenotype highly specific to FBN1, it was found to be inherited from an apparently mosaic and unaffected parent (PM6; Invitae internal data). This variant has also been identified in at least 4 additional unrelated individuals who do not meet clinical diagnostic criteria but have phenotypes consistent with MFS, including EL or TAAD with or without systemic features (PMIDs: 17657824, 29144511, 33844962; Bichat & Invitae internal data). In two families, the variant was found to segregate with disease in a similarly affected family member (PP1; Bichat & University of Tokyo internal data). It is present in gnomAD in 1 individual of European (non-Finnish) ancestry, with a frequency of 0.00009% (1/1111872 alleles) (PM2_supporting;, v4.0.0). In summary, this variant meets criteria to be classified as pathogenic for Marfan syndrome based on the ACMG/AMP criteria applied, as specified by the ClinGen FBN1 VCEP: PS4, PM4, PM6, PP1, PP4, PM2_supporting.

Ambry Genetics
Classification: Likely pathogenic for Familial thoracic aortic aneurysm and aortic dissection. Last evaluated: 2025-10-24. Review status: criteria provided, single submitter. Criteria: Ambry Variant Classification Scheme 2023. Collection method: clinical testing. Allele origin: germline. Not counted in ClinVar's aggregate classification.
Comment: The c.5076_5078delAAG variant (also known as p.R1692del) is located in coding exon 41 of the FBN1 gene. This variant results from an in-frame AAG deletion at nucleotide positions 5076 to 5078. This results in the in-frame deletion of an arginine at codon 1692. This amino acid position is not well conserved in available vertebrate species. This variant was reported in individual(s) with features consistent with Marfan syndrome and related fibrillinopathies (Comeglio P et al. Hum Mutat, 2007 Sep;28:928; Waldm&uuml;ller S et al. Eur J Cardiothorac Surg, 2007 Jun;31:970-5; Poninska JK et al. J Transl Med, 2016 May;14:115; Xu C et al. Genet Med, 2018 Aug;20:872-881; Stark VC et al. Genes (Basel), 2020 Jul;11; Chen Z et al. Br J Ophthalmol, 2022 Dec;106:1655-1661; Chen Y et al. Gene, 2023 Dec;887:147727; Yang H et al. J Thorac Cardiovasc Surg, 2023 Dec;166:1594-1603.e5). In addition, this alteration is predicted to be deleterious by in silico analysis (Choi Y et al. PLoS ONE. 2012; 7(10):e46688). Based on the majority of available evidence to date, this variant is likely to be pathogenic.

Genomic Medicine Center of Excellence, King Faisal Specialist Hospital and Research Centre
Classification: Likely pathogenic for Marfan syndrome. Last evaluated: 2025-09-10. Review status: criteria provided, single submitter. Criteria: ACMG Guidelines, 2015. Collection method: clinical testing. Allele origin: germline. Not counted in ClinVar's aggregate classification.

Labcorp Genetics (formerly Invitae), Labcorp
Classification: Pathogenic for Marfan syndrome; Familial thoracic aortic aneurysm and aortic dissection. Last evaluated: 2025-04-08. Review status: criteria provided, single submitter. Criteria: Invitae Variant Classification Sherloc (09022015). Collection method: clinical testing. Allele origin: germline. Not counted in ClinVar's aggregate classification.
Comment: This variant, c.5076_5078del, results in the deletion of 1 amino acid(s) of the FBN1 protein (p.Arg1692del), but otherwise preserves the integrity of the reading frame. This variant is not present in population databases (gnomAD no frequency). This variant has been observed in individual(s) with Marfan syndrome (PMID: 17657824, 27146836, 32679894; internal data). ClinVar contains an entry for this variant (Variation ID: 520496). For these reasons, this variant has been classified as Pathogenic.

Mayo Clinic Laboratories, Mayo Clinic
Classification: Likely pathogenic. Last evaluated: 2024-05-10. Review status: criteria provided, single submitter. Criteria: ACMG Guidelines, 2015. Collection method: clinical testing. Allele origin: germline. Observed: 1 variant allele. Not counted in ClinVar's aggregate classification.
Comment: PP4, PM2, PM4, PM6_supporting, PS4

GeneDx
Classification: Likely pathogenic. Last evaluated: 2023-12-15. Review status: criteria provided, single submitter. Criteria: GeneDx Variant Classification Process June 2021. Collection method: clinical testing. Allele origin: germline. Affected: yes. Not counted in ClinVar's aggregate classification.
Comment: In-frame deletion of one arginine amino acid in a non-repeat region; Not observed in large population cohorts (gnomAD); In silico analysis supports a deleterious effect on protein structure/function; This variant is associated with the following publications: (PMID: 17657824, 32679894, 33844962, 27146836, 34281902, 34008892)

Laboratory of Medical Genetics, National & Kapodistrian University of Athens
Classification: Likely pathogenic for Marfan syndrome. Last evaluated: 2021-10-01. Review status: criteria provided, single submitter. Criteria: ACMG Guidelines, 2015. Collection method: clinical testing. Allele origin: unknown. Affected: yes. Not counted in ClinVar's aggregate classification.
Comment: PM1, PM2, PM4, PP3

CHEO Genetics Diagnostic Laboratory, Children's Hospital of Eastern Ontario
Classification: Likely pathogenic for Familial thoracic aortic aneurysm and aortic dissection. Last evaluated: 2021-07-02. Review status: criteria provided, single submitter. Criteria: ACMG Guidelines, 2015. Collection method: clinical testing. Allele origin: germline. Not counted in ClinVar's aggregate classification.

Molecular Diagnostic Laboratory for Inherited Cardiovascular Disease, Montreal Heart Institute
Classification: Likely pathogenic. Last evaluated: 2017-07-03. Review status: criteria provided, single submitter. Criteria: ACMG Guidelines, 2015. Collection method: clinical testing. Allele origin: germline. Affected: yes. Not counted in ClinVar's aggregate classification.

Center for Medical Genetics Ghent, University of Ghent
Classification: Uncertain significance for Marfan syndrome. Last evaluated: 2017-11-07. Review status: flagged submission. Collection method: clinical testing. Allele origin: germline. Affected: yes. Not counted in ClinVar's aggregate classification.
ClinVar note: Reason: Older and outlier claim with insufficient supporting evidence

Literature cited by the submitters: PubMed 17418587 (cited by Ambry Genetics); PubMed 17657824 (cited by 3 submitters); PubMed 27146836 (cited by 3 submitters); PubMed 29144511 (cited by Ambry Genetics); PubMed 32679894 (cited by 3 submitters); PubMed 34281902 (cited by Ambry Genetics and Mayo Clinic Laboratories, Mayo Clinic); PubMed 36517271 (cited by Ambry Genetics); PubMed 37625564 (cited by Ambry Genetics); PubMed 34008892 (cited by Mayo Clinic Laboratories, Mayo Clinic and Laboratory of Medical Genetics, National & Kapodistrian University of Athens).

NM_000138.5(FBN1):c.5073AAG[1] (p.Arg1692del)

Gene: FBN1 (fibrillin 1; minus strand). Cytogenetic location: 15q21.1.
Variant type: Microsatellite.
Coding change: c.5073AAG[1] on transcript NM_000138.5 (MANE Select); one copy of the 3-base unit AAG starting at c.5073; the reference has two copies in a row; one copy, 3 bases deleted; also written c.5076_5078del.
Protein change: p.Arg1692del; deletes arginine 1692.
Molecular consequence: inframe deletion.
Genome position (GRCh38, 1-based): chr15:48,463,228-48,463,230, CTT deleted on the plus strand (AAG on the coding strand, the reverse complement: FBN1 is on the minus strand); deleting any 3 consecutive bases within chr15:48,463,228-48,463,235 gives the same sequence; the position shown is the placement nearest the transcript's 3' end. VCF-style (leftmost placement, unchanged base first): chr15-48463227-ACTT-A. GRCh37 (hg19) VCF-style: chr15-48755424-ACTT-A.
Other names: NM_000138.5(FBN1):c.5073AAG[1]; p.Arg1692del; c.5076_5078del (NM_000138.5); c.5076_5078delAAG (NM_000138.4); short protein forms R1692del.
Identifiers: ClinVar variation 520496 (VCV000520496.26), dbSNP rs1555396789, ClinGen allele CA658798354.